The following is an entry in ClinVar:

ClinVar aggregate classification (germline): Uncertain significance (1 of 4 stars; one submission).

Submission:

Ambry Genetics
Classification: Uncertain significance. Last evaluated: 2024-04-28. Review status: criteria provided, single submitter. Criteria: Ambry Variant Classification Scheme 2023. Collection method: clinical testing. Allele origin: germline.
Comment: The p.K26R variant (also known as c.77A>G), located in coding exon 1 of the EGLN1 gene, results from an A to G substitution at nucleotide position 77. The lysine at codon 26 is replaced by arginine, an amino acid with highly similar properties. This amino acid position is conserved. In addition, this alteration is predicted to be tolerated by in silico analysis. Based on the available evidence, the clinical significance of this variant remains unclear.

NM_022051.3(EGLN1):c.77A>G (p.Lys26Arg)

Gene: EGLN1 (egl-9 family hypoxia inducible factor 1; minus strand). Cytogenetic location: 1q42.2.
Variant type: single nucleotide variant.
Coding change: c.77A>G on transcript NM_022051.3 (MANE Select); coding-DNA position 77, A replaced by G.
Protein change: p.Lys26Arg; replaces lysine 26 with arginine.
Molecular consequence: missense variant.
Genome position (GRCh38, 1-based): chr1:231,421,812, T>C on the plus strand (A>G on the coding strand, the complement: EGLN1 is on the minus strand). VCF-style: chr1-231421812-T-C. GRCh37 (hg19) VCF-style: chr1-231557558-T-C.
Other names: c.77A>G, p.Lys26Arg (NM_001377260.1, NM_001377261.1); short protein forms K26R.
Identifiers: ClinVar variation 3274786 (VCV003274786.1).
Genomic context (GRCh38, chr1:231,421,812, plus strand): 5'-TGCTCCTTGCAGCAGTAGAAGGAGCTGCGGCAGCGGCTGCAGCGCAGCAGGTTCTCCATC[T>C]TCCCGCACAGCTCGCAGTACTGCCGGTCTCGCTCGCTCGGGCTCGGCCCGCCGGGCCCGC-3'
Protein context (NP_071334.1, residues 16-36): RDRQYCELCG[Lys26Arg]MENLLRCSRC